The following is an entry in ClinVar:

ClinVar aggregate classification (germline): Uncertain significance. Review status: criteria provided, multiple submitters, no conflicts (2 of 4 stars). 7 submissions from 7 submitters: Uncertain significance (4). 3 of the submissions do not count toward it. Last evaluated 2022-10-25.

Conditions:
Bardet-Biedl syndrome 1 (BBS1). Identifiers: MedGen C2936862, MONDO:0008854, OMIM 209900. Disease mechanism: loss of function.
Bardet-Biedl syndrome (BBS). Identifiers: Orphanet 110, MedGen C0752166, MONDO:0015229.
BBS1-related disorder. Also called: BBS1-related condition.
Inborn genetic diseases. Identifiers: MedGen C0950123, MeSH D030342.
Retinal dystrophy. Also called: Inherited retinal dystrophy. Identifiers: Orphanet 71862, MedGen C0854723, MeSH D058499, MONDO:0019118, HP:0000556.

Allele frequency attached by ClinVar (database versions not stated): gnomAD exomes 0.00001 and 0.00003; gnomAD 0.00004 and 0.00003; ExAC 0.00003; TOPMed 0.00004.

Submissions (7):

Labcorp Genetics (formerly Invitae), Labcorp
Classification: Uncertain significance for Bardet-Biedl syndrome. Last evaluated: 2022-10-25. Review status: criteria provided, single submitter. Criteria: Invitae Variant Classification Sherloc (09022015). Collection method: clinical testing. Allele origin: germline.
Comment: This sequence change replaces proline, which is neutral and non-polar, with leucine, which is neutral and non-polar, at codon 531 of the BBS1 protein (p.Pro531Leu). This variant is present in population databases (rs746206916, gnomAD 0.01%). This variant has not been reported in the literature in individuals affected with BBS1-related conditions. ClinVar contains an entry for this variant (Variation ID: 879584). Advanced modeling of protein sequence and biophysical properties (such as structural, functional, and spatial information, amino acid conservation, physicochemical variation, residue mobility, and thermodynamic stability) performed at Invitae indicates that this missense variant is not expected to disrupt BBS1 protein function. In summary, the available evidence is currently insufficient to determine the role of this variant in disease. Therefore, it has been classified as a Variant of Uncertain Significance.

Fulgent Genetics
Classification: Uncertain significance for Bardet-Biedl syndrome 1. Last evaluated: 2022-01-12. Review status: criteria provided, single submitter. Criteria: ACMG Guidelines, 2015. Collection method: clinical testing. Allele origin: unknown.

Ambry Genetics
Classification: Uncertain significance for Inborn genetic diseases. Last evaluated: 2021-10-05. Review status: criteria provided, single submitter. Criteria: Ambry Variant Classification Scheme 2023. Collection method: clinical testing. Allele origin: germline.

Illumina Laboratory Services, Illumina
Classification: Uncertain significance for Bardet-Biedl syndrome 1. Last evaluated: 2018-01-12. Review status: criteria provided, single submitter. Criteria: ICSL Variant Classification Criteria 13 December 2019. Collection method: clinical testing. Allele origin: germline.

PreventionGenetics, part of Exact Sciences
Classification: Uncertain significance for BBS1-related condition. Last evaluated: 2023-12-19. Review status: no assertion criteria provided. Collection method: clinical testing. Allele origin: germline. Not counted in ClinVar's aggregate classification.
Comment: The BBS1 c.1592C>T variant is predicted to result in the amino acid substitution p.Pro531Leu. To our knowledge, this variant has not been reported in the literature. This variant is reported in 0.014% of alleles in individuals of Latino descent in gnomAD. At this time, the clinical significance of this variant is uncertain due to the absence of conclusive functional and genetic evidence.

Natera, Inc.
Classification: Uncertain significance for Bardet-Biedl syndrome type 1. Last evaluated: 2020-03-11. Review status: no assertion criteria provided. Collection method: clinical testing. Allele origin: germline. Not counted in ClinVar's aggregate classification.

Institute of Human Genetics, Univ. Regensburg, Univ. Regensburg
Classification: Uncertain significance for Retinal dystrophy. Last evaluated: 2018-01-01. Review status: no assertion criteria provided. Criteria: ACMG Guidelines, 2015. Collection method: clinical testing. Allele origin: germline. Affected: yes. Not counted in ClinVar's aggregate classification.

NM_024649.5(BBS1):c.1592C>T (p.Pro531Leu)

Genes: BBS1 (Bardet-Biedl syndrome 1; plus strand), ZDHHC24 (zDHHC palmitoyltransferase 24; minus strand). Cytogenetic location: 11q13.2.
Variant type: single nucleotide variant.
Coding change: c.1592C>T on transcript NM_024649.5 (MANE Select); coding-DNA position 1592, C replaced by T.
Protein change: p.Pro531Leu; replaces proline 531 with leucine.
Molecular consequence: missense variant. On other transcripts: intron variant (1).
Genome position (GRCh38, 1-based): chr11:66,531,012, C>T. VCF-style: chr11-66531012-C-T. GRCh37 (hg19) VCF-style: chr11-66298483-C-T.
Other names: c.560-1524G>A (NM_001348571.2); short protein forms P531L.
Identifiers: ClinVar variation 879584 (VCV000879584.26), dbSNP rs746206916, ClinGen allele CA6123820.